The following is an entry in ClinVar:

ClinVar aggregate classification (germline): Pathogenic/Likely pathogenic. Review status: criteria provided, multiple submitters, no conflicts (2 of 4 stars). 3 submissions from 3 submitters: Pathogenic (1); Likely pathogenic (2). Last evaluated 2024-01-22.

Conditions:
Fanconi anemia complementation group Q. Identifiers: Orphanet 84, MedGen C3808988, MONDO:0014108, OMIM 615272.
Xeroderma pigmentosum, group F (XPF). Also called: XERODERMA PIGMENTOSUM VI; XP, GROUP F; XERODERMA PIGMENTOSUM, COMPLEMENTATION GROUP F; XERODERMA PIGMENTOSUM, TYPE F; Xeroderma pigmentosum, type 6; ERCC4-Related Xeroderma Pigmentosum. Identifiers: MedGen C0268140, MONDO:0010215, OMIM 278760.
Cockayne syndrome. Identifiers: Orphanet 191, MedGen C0009207, MONDO:0016006.
XFE progeroid syndrome (XFEPS). Also called: XPF-ERCC1 PROGEROID SYNDROME. Identifiers: MedGen C1970416, MONDO:0012590, OMIM 610965.

Allele frequency attached by ClinVar (database versions not stated): gnomAD exomes below 0.00001; ExAC 0.00001.

Submissions (3):

Fulgent Genetics
Classification: Likely pathogenic for Xeroderma pigmentosum, group F; XFE progeroid syndrome; Fanconi anemia complementation group Q. Last evaluated: 2024-01-22. Review status: criteria provided, single submitter. Criteria: ACMG Guidelines, 2015. Collection method: clinical testing. Allele origin: germline.

Labcorp Genetics (formerly Invitae), Labcorp
Classification: Pathogenic for Fanconi anemia complementation group Q; Xeroderma pigmentosum, group F; Cockayne syndrome. Last evaluated: 2020-11-10. Review status: criteria provided, single submitter. Criteria: Invitae Variant Classification Sherloc (09022015). Collection method: clinical testing. Allele origin: germline.
Comment: This sequence change creates a premature translational stop signal (p.Asn308Ilefs*6) in the ERCC4 gene. It is expected to result in an absent or disrupted protein product. Loss-of-function variants in ERCC4 are known to be pathogenic (PMID: 9580660). For these reasons, this variant has been classified as Pathogenic. This variant has not been reported in the literature in individuals with ERCC4-related conditions. ClinVar contains an entry for this variant (Variation ID: 288748). This variant is present in population databases (rs772432152, ExAC 0.009%).

Eurofins Ntd Llc (ga)
Classification: Likely pathogenic. Last evaluated: 2016-06-22. Review status: criteria provided, single submitter. Criteria: EGL Classification Definitions 2015. Collection method: clinical testing. Allele origin: germline. Observed: 1 variant allele, 1 heterozygote.

Literature cited by the submitters: PubMed 9580660 (cited by Labcorp Genetics (formerly Invitae), Labcorp).

NM_005236.3(ERCC4):c.915del (p.Asn308fs)

Gene: ERCC4 (ERCC excision repair 4, endonuclease catalytic subunit; plus strand). Cytogenetic location: 16p13.12.
Variant type: Deletion.
Coding change: c.915del on transcript NM_005236.3 (MANE Select); coding-DNA position 915, one base deleted (A; older notation c.915delA).
Protein change: p.Asn308fs; shifts the reading frame from asparagine 308.
Molecular consequence: frameshift variant.
Genome position (GRCh38, 1-based): chr16:13,930,832, A deleted. VCF-style (leftmost placement, unchanged base first): chr16-13930831-CA-C. GRCh37 (hg19) VCF-style: chr16-14024688-CA-C.
Other names: short protein forms N308fs.
Identifiers: ClinVar variation 288748 (VCV000288748.11), dbSNP rs772432152, ClinGen allele CA7910304.